The following is an entry in ClinVar:

ClinVar aggregate classification (germline): Uncertain significance (1 of 4 stars; one submission).

Conditions:
PLXNA4-related disorder. Also called: PLXNA4-related condition.

gnomAD v4.1: 17 of 1,614,222 alleles (0.0011%); highest among the groups gnomAD compares: Non-Finnish European, 0.0014%; no homozygotes.

Submission:

PreventionGenetics, part of Exact Sciences
Classification: Uncertain significance for PLXNA4-related condition. Last evaluated: 2025-02-08. Review status: criteria provided, single submitter. Criteria: ACMG Guidelines, 2015. Collection method: clinical testing. Allele origin: germline.
Comment: The PLXNA4 c.1467G>C variant is predicted to result in the amino acid substitution p.Met489Ile. To our knowledge, this variant has not been reported in the literature or in a large population database (gnomAD), indicating this variant is rare. At this time, the clinical significance of this variant is uncertain due to the absence of conclusive functional and genetic evidence.

NM_020911.2(PLXNA4):c.1371+4374G>C

Gene: PLXNA4 (plexin A4; minus strand). Cytogenetic location: 7q32.3.
Variant type: single nucleotide variant.
Coding change: c.1371+4374G>C on transcript NM_020911.2 (MANE Select); 4374 bases into the intron after coding-DNA position 1371, G replaced by C.
Molecular consequence: intron variant. On other transcripts: missense variant (1).
Genome position (GRCh38, 1-based): chr7:132,484,918, C>G on the plus strand (G>C on the coding strand, the complement: PLXNA4 is on the minus strand). VCF-style: chr7-132484918-C-G. GRCh37 (hg19) VCF-style: chr7-132169677-C-G.
Other names: c.1467G>C, p.Met489Ile (NM_181775.4); c.1371+4374G>C (NM_001393897.1, NM_001105543.2); short protein forms M489I.
Identifiers: ClinVar variation 4998643 (VCV004998643.1).